The following is an entry in ClinVar:

ClinVar aggregate classification (germline): Likely benign (1 of 4 stars; one submission).

gnomAD v4.1: 13 of 1,604,974 alleles (0.00081%); highest among the groups gnomAD compares: Admixed American, 0.018%; no homozygotes.

Submission:

Athena Diagnostics
Classification: Likely benign. Last evaluated: 2025-04-18. Review status: criteria provided, single submitter. Criteria: Athena Diagnostics Criteria. Collection method: clinical testing. Allele origin: unknown.
Comment: Computational tools yielded predictions that this variant is unlikely to have an effect on normal RNA splicing. This nucleotide position exhibits low evolutionary conservation.

NM_002397.5(MEF2C):c.258+35G>T

Gene: MEF2C (myocyte enhancer factor 2C; minus strand). Cytogenetic location: 5q14.3.
Variant type: single nucleotide variant.
Coding change: c.258+35G>T on transcript NM_002397.5 (MANE Select); 35 bases into the intron after coding-DNA position 258, G replaced by T.
Molecular consequence: intron variant.
Genome position (GRCh38, 1-based): chr5:88,804,563, C>A on the plus strand (G>T on the coding strand, the complement: MEF2C is on the minus strand). VCF-style: chr5-88804563-C-A. GRCh37 (hg19) VCF-style: chr5-88100380-C-A.
Other names: c.258+35G>T (NM_001364329.2, NM_001364330.2, NM_001364333.2 and 29 more transcripts).
Identifiers: ClinVar variation 4682398 (VCV004682398.1).